The following is an entry in ClinVar:

ClinVar aggregate classification (germline): Likely benign. Review status: criteria provided, multiple submitters, no conflicts (2 of 4 stars). 7 submissions from 7 submitters: Likely benign (7). Last evaluated 2025-12-12.

Conditions:
Hereditary cancer-predisposing syndrome. Also called: Neoplastic Syndromes, Hereditary; Hereditary neoplastic syndrome; Tumor predisposition; Hereditary Cancer Syndrome. Identifiers: Orphanet 140162, MedGen C0027672, MeSH D009386, MONDO:0015356.
Hereditary nonpolyposis colorectal neoplasms. Identifiers: MedGen C0009405, MeSH D003123.
Familial cancer of breast. Also called: Hereditary breast cancer; BREAST CANCER, FAMILIAL; hereditary breast carcinoma. Identifiers: Orphanet 227535, MedGen C0346153, MONDO:0016419, OMIM 114480. Disease mechanism: loss of function.
MSH6-related disorder. Also called: MSH6-related condition; MSH6-Related disorders.
Lynch syndrome. Identifiers: Orphanet 144, MedGen C4552100, MONDO:0005835. Disease mechanism: loss of function.

Allele frequency attached by ClinVar (database versions not stated): ExAC 0.00003; TOPMed 0.00005.
gnomAD v4.1: 18 of 1,614,036 alleles (0.0011%); highest among the groups gnomAD compares: East Asian, 0.022%; no homozygotes.

Submissions (7):

Labcorp Genetics (formerly Invitae), Labcorp
Classification: Likely benign for Hereditary nonpolyposis colorectal neoplasms. Last evaluated: 2025-12-12. Review status: criteria provided, single submitter. Criteria: Invitae Variant Classification Sherloc (09022015). Collection method: clinical testing. Allele origin: germline.

CeGaT Center for Human Genetics Tuebingen
Classification: Likely benign. Last evaluated: 2025-08-01. Review status: criteria provided, single submitter. Criteria: CeGaT Center For Human Genetics Tuebingen Variant Classification Criteria Version 2. Collection method: clinical testing. Allele origin: germline. Affected: yes. Observed: 1 variant allele.
Comment: MSH6: BP4

PreventionGenetics, part of Exact Sciences
Classification: Likely benign for MSH6-related condition. Last evaluated: 2025-05-27. Review status: criteria provided, single submitter. Criteria: ACMG Guidelines, 2015. Collection method: clinical testing. Allele origin: germline.
Comment: This variant is classified as likely benign based on ACMG/AMP sequence variant interpretation guidelines (Richards et al. 2015 PMID: 25741868, with internal and published modifications).

All of Us Research Program, National Institutes of Health
Classification: Likely benign for Lynch syndrome. Last evaluated: 2024-02-05. Review status: criteria provided, single submitter. Criteria: ACMG Guidelines, 2015. Collection method: clinical testing. Allele origin: germline. Inheritance: Autosomal dominant inheritance. Observed: 1 variant allele, 1 heterozygote.
Comment: This study involves interpretation of variants in research participants for the purpose of population health screening. Participant phenotype was not available at the time of variant classification. Additional details can be found in publication PMID: 35346344, PMCID: PMC8962531

Department of Pathology and Laboratory Medicine, Sinai Health System
Classification: Likely benign for hereditary breast carcinoma. Last evaluated: 2023-01-09. Review status: criteria provided, single submitter. Criteria: ACMG Guidelines, 2015. Collection method: clinical testing. Allele origin: germline. Affected: no.

GeneDx
Classification: Likely benign. Last evaluated: 2019-06-26. Review status: criteria provided, single submitter. Criteria: GeneDx Variant Classification Process June 2021. Collection method: clinical testing. Allele origin: germline. Affected: yes.
Comment: This variant is associated with the following publications: (PMID: 26976419)

Color Diagnostics, LLC DBA Color Health
Classification: Likely benign for Hereditary cancer-predisposing syndrome. Last evaluated: 2015-06-01. Review status: criteria provided, single submitter. Criteria: ACMG Guidelines, 2015. Collection method: clinical testing. Allele origin: germline.

NM_000179.3(MSH6):c.3173-10C>A

Gene: MSH6 (mutS homolog 6; plus strand). Cytogenetic location: 2p16.3.
Variant type: single nucleotide variant.
Coding change: c.3173-10C>A on transcript NM_000179.3 (MANE Select); 10 bases into the intron before coding-DNA position 3173, C replaced by A.
Molecular consequence: intron variant.
Genome position (GRCh38, 1-based): chr2:47,803,410, C>A. VCF-style: chr2-47803410-C-A. GRCh37 (hg19) VCF-style: chr2-48030549-C-A.
Other names: c.2267-10C>A (NM_001281493.2, NM_001281494.2); c.2783-10C>A (NM_001281492.2).
Identifiers: ClinVar variation 384970 (VCV000384970.26), dbSNP rs587780559, ClinGen allele CA070255.